The following is an entry in ClinVar:

ClinVar aggregate classification (germline): Uncertain significance. Review status: criteria provided, multiple submitters, no conflicts (2 of 4 stars). 2 submissions from 2 submitters: Uncertain significance (2). Last evaluated 2025-09-20.

Conditions:
Diamond-Blackfan anemia 1 (DBA1). Also called: RPS19-Related Diamond-Blackfan Anemia; BLACKFAN-DIAMOND SYNDROME; ANEMIA, CONGENITAL HYPOPLASTIC, OF BLACKFAN AND DIAMOND; ANEMIA, CONGENITAL ERYTHROID HYPOPLASTIC; RED CELL APLASIA, PURE, HEREDITARY; AREGENERATIVE ANEMIA, CHRONIC CONGENITAL. Identifiers: Orphanet 124, MedGen C2676137, MONDO:0007110, OMIM 105650.
Diamond-Blackfan anemia. Also called: Blackfan Diamond syndrome; Aregenerative anemia chronic congenital; Red cell aplasia, pure hereditary; Congenital hypoplastic anemia; Aase syndrome. Identifiers: Orphanet 124, MedGen C1260899, MeSH D029503, MONDO:0015253, HP:0004810.

Allele frequency attached by ClinVar (database versions not stated): gnomAD exomes below 0.00001; gnomAD 0.00001; TOPMed 0.00001.
gnomAD v4.1: 3 of 1,614,044 alleles (0.00019%); highest among the groups gnomAD compares: East Asian, 0.0045%; no homozygotes.

Submissions (2):

Labcorp Genetics (formerly Invitae), Labcorp
Classification: Uncertain significance for Diamond-Blackfan anemia. Last evaluated: 2025-09-20. Review status: criteria provided, single submitter. Criteria: Invitae Variant Classification Sherloc (09022015). Collection method: clinical testing. Allele origin: germline.
Comment: This sequence change replaces lysine, which is basic and polar, with arginine, which is basic and polar, at codon 43 of the RPS19 protein (p.Lys43Arg). This variant is present in population databases (no rsID available, gnomAD 0.06%). This variant has not been reported in the literature in individuals affected with RPS19-related conditions. ClinVar contains an entry for this variant (Variation ID: 1496732). An algorithm developed to predict the effect of missense changes on protein structure and function (PolyPhen-2) suggests that this variant is likely to be tolerated. In summary, the available evidence is currently insufficient to determine the role of this variant in disease. Therefore, it has been classified as a Variant of Uncertain Significance.

Fulgent Genetics
Classification: Uncertain significance for Diamond-Blackfan anemia 1. Last evaluated: 2021-12-18. Review status: criteria provided, single submitter. Criteria: ACMG Guidelines, 2015. Collection method: clinical testing. Allele origin: unknown.

NM_001022.4(RPS19):c.128A>G (p.Lys43Arg)

Genes: RPS19 (ribosomal protein S19; plus strand), RPS19-CD79A (RPS19-CD79A readthrough; plus strand). Cytogenetic location: 19q13.2.
Variant type: single nucleotide variant.
Coding change: c.128A>G on transcript NM_001022.4 (MANE Select); coding-DNA position 128, A replaced by G.
Protein change: p.Lys43Arg; replaces lysine 43 with arginine.
Molecular consequence: missense variant.
Genome position (GRCh38, 1-based): chr19:41,861,168, A>G. VCF-style: chr19-41861168-A-G. GRCh37 (hg19) VCF-style: chr19-42365237-A-G.
Other names: c.128A>G, p.Lys43Arg (NM_001321483.2, NM_001321484.2, NM_001321485.2); short protein forms K43R.
Identifiers: ClinVar variation 1496732 (VCV001496732.7), dbSNP rs1400674746, ClinGen allele CA406046973.